The following is an entry in ClinVar:

NM_024580.6(EFL1):c.886T>A (p.Leu296Met)

Gene: EFL1 (elongation factor like GTPase 1; minus strand). Cytogenetic location: 15q25.2.
Variant type: single nucleotide variant.
Coding change: c.886T>A on transcript NM_024580.6 (MANE Select); coding-DNA position 886, T replaced by A.
Protein change: p.Leu296Met; replaces leucine 296 with methionine.
Molecular consequence: missense variant. On other transcripts: non-coding transcript variant (1).
Genome position (GRCh38, 1-based): chr15:82,229,080, A>T on the plus strand (T>A on the coding strand, the complement: EFL1 is on the minus strand). VCF-style: chr15-82229080-A-T. GRCh37 (hg19) VCF-style: chr15-82521421-A-T.
Other names: c.733T>A, p.Leu245Met (NM_001040610.3); c.97T>A, p.Leu33Met (NM_001322844.2); c.886T>A, p.Leu296Met (NM_001322845.2); short protein forms L245M, L33M, L296M.
Identifiers: ClinVar variation 1361091 (VCV001361091.6), dbSNP rs747562592, ClinGen allele CA7698154.

ClinVar aggregate classification (germline): Uncertain significance (1 of 4 stars; one submission).

Allele frequency attached by ClinVar (database versions not stated): ExAC 0.00001; gnomAD 0.00001; gnomAD exomes 0.00001; TOPMed 0.00002.
gnomAD v4.1: 15 of 1,611,744 alleles (0.00093%); highest among the groups gnomAD compares: Non-Finnish European, 0.0013%; no homozygotes.

Submission:

Labcorp Genetics (formerly Invitae), Labcorp
Classification: Uncertain significance. Last evaluated: 2025-01-13. Review status: criteria provided, single submitter. Criteria: Invitae Variant Classification Sherloc (09022015). Collection method: clinical testing. Allele origin: germline.
Comment: This sequence change replaces leucine, which is neutral and non-polar, with methionine, which is neutral and non-polar, at codon 296 of the EFL1 protein (p.Leu296Met). This variant is present in population databases (rs747562592, gnomAD 0.003%). This variant has not been reported in the literature in individuals affected with EFL1-related conditions. ClinVar contains an entry for this variant (Variation ID: 1361091). Invitae Evidence Modeling of protein sequence and biophysical properties (such as structural, functional, and spatial information, amino acid conservation, physicochemical variation, residue mobility, and thermodynamic stability) indicates that this missense variant is not expected to disrupt EFL1 protein function with a negative predictive value of 80%. In summary, the available evidence is currently insufficient to determine the role of this variant in disease. Therefore, it has been classified as a Variant of Uncertain Significance.